The following is an entry in ClinVar:

ClinVar aggregate classification (germline): Conflicting classifications of pathogenicity. Review status: criteria provided, conflicting classifications (1 of 4 stars). 6 submissions from 6 submitters: Uncertain significance (5); Benign (1). Last evaluated 2026-01-31.

Conditions:
Ehlers-Danlos syndrome, classic type, 1 (EDSCL1). Also called: EHLERS-DANLOS SYNDROME, GRAVIS TYPE; EHLERS-DANLOS SYNDROME, SEVERE CLASSIC TYPE; Ehlers-Danlos Syndrome, Classic Type, COL5A1-Related; EDS I; Ehlers-Danlos syndrome, type 1. Identifiers: MedGen C0268335, MONDO:0019567, OMIM 130000.
Ehlers-Danlos syndrome, classic type (cEDS). Identifiers: Orphanet 287, MedGen C4225429, MONDO:0007522.
Familial thoracic aortic aneurysm and aortic dissection (TAAD). Also called: Thoracic aortic aneurysms and dissections. Identifiers: Orphanet 91387, MedGen C4707243, MONDO:0019625.
Ehlers-Danlos syndrome (EDS). Identifiers: Orphanet 98249, MedGen C0013720, MONDO:0020066.

Allele frequency attached by ClinVar (database versions not stated): gnomAD 0.00006; gnomAD exomes 0.00001; TOPMed 0.00002.
gnomAD v4.1: 25 of 1,552,010 alleles (0.0016%); highest among the groups gnomAD compares: Admixed American, 0.012%; no homozygotes.

Submissions (6):

Labcorp Genetics (formerly Invitae), Labcorp
Classification: Benign for Ehlers-Danlos syndrome, classic type, 1. Last evaluated: 2026-01-31. Review status: criteria provided, single submitter. Criteria: Invitae Variant Classification Sherloc (09022015). Collection method: clinical testing. Allele origin: germline.

Mayo Clinic Laboratories, Mayo Clinic
Classification: Uncertain significance. Last evaluated: 2025-06-21. Review status: criteria provided, single submitter. Criteria: ACMG Guidelines, 2015. Collection method: clinical testing. Allele origin: germline. Observed: 1 variant allele.

GeneDx
Classification: Uncertain significance. Last evaluated: 2021-02-18. Review status: criteria provided, single submitter. Criteria: GeneDx Variant Classification Process June 2021. Collection method: clinical testing. Allele origin: germline. Affected: yes.
Comment: Has not been previously published as pathogenic or benign to our knowledge; Reported in ClinVar as a variant of uncertain significance (ClinVar Variant ID# 365725; Landrum et al., 2016); In silico analysis supports that this missense variant does not alter protein structure/function; Occurs in the triple helical domain at the X position in the canonical Gly-X-Y repeat; although this variant may have an effect on normal protein folding and function, missense substitution at the X position is not a common mechanism of disease (Symoens et al., 2012; Stenson et al., 2014)

Ambry Genetics
Classification: Uncertain significance for Familial thoracic aortic aneurysm and aortic dissection. Last evaluated: 2020-07-06. Review status: criteria provided, single submitter. Criteria: Ambry Variant Classification Scheme 2023. Collection method: clinical testing. Allele origin: germline.
Comment: The p.E1313D variant (also known as c.3939G>T), located in coding exon 50 of the COL5A1 gene, results from a G to T substitution at nucleotide position 3939. The glutamic acid at codon 1313 is replaced by aspartic acid, an amino acid with highly similar properties. This amino acid position is highly conserved in available vertebrate species. In addition, the in silico prediction for this alteration is inconclusive. Since supporting evidence is limited at this time, the clinical significance of this alteration remains unclear.

Genome Diagnostics Laboratory, The Hospital for Sick Children
Classification: Uncertain significance for Ehlers-Danlos syndrome. Last evaluated: 2019-03-29. Review status: criteria provided, single submitter. Criteria: ACMG Guidelines, 2015. Collection method: clinical testing. Allele origin: germline.

ARUP Laboratories, Molecular Genetics and Genomics, ARUP Laboratories
Classification: Uncertain significance for Ehlers-Danlos syndrome, classic type, 1. Last evaluated: 2018-12-05. Review status: criteria provided, single submitter. Criteria: ARUP Molecular Germline Variant Investigation Process. Collection method: clinical testing. Allele origin: germline.
Comment: The COL5A1 c.3939G>T; p.Glu1313Asp variant (rs886063676), to our knowledge, is not reported in the medical literature but is reported in ClinVar (Variation ID: 365725). This variant is found on six chromosomes in the Genome Aggregation Database, indicating it is not a common polymorphism. The glutamate at codon 1313 is highly conserved, but computational analyses (SIFT: tolerated, PolyPhen-2: damaging) predict conflicting effects of this variant on protein structure/function. Due to limited information, the clinical significance of the p.Glu1313Asp variant is uncertain at this time.

Literature cited by the submitters: PubMed 36895521 (cited by Mayo Clinic Laboratories, Mayo Clinic).

NM_000093.5(COL5A1):c.3939G>T (p.Glu1313Asp)

Gene: COL5A1 (collagen type V alpha 1 chain; plus strand). Cytogenetic location: 9q34.3.
Variant type: single nucleotide variant.
Coding change: c.3939G>T on transcript NM_000093.5 (MANE Select); coding-DNA position 3939, G replaced by T.
Protein change: p.Glu1313Asp; replaces glutamic acid 1313 with aspartic acid.
Molecular consequence: missense variant.
Genome position (GRCh38, 1-based): chr9:134,814,829, G>T. VCF-style: chr9-134814829-G-T. GRCh37 (hg19) VCF-style: chr9-137706675-G-T.
Other names: p.Glu1313Asp; c.3939G>T, p.Glu1313Asp (NM_001278074.1); short protein forms E1313D.
Identifiers: ClinVar variation 365725 (VCV000365725.28), dbSNP rs886063676, ClinGen allele CA10626800.
Genomic context (GRCh38, chr9:134,814,829, plus strand): 5'-GGACTTGACACTGGCCTCTTTCCTCCAGGGACCCAAAGGAGAAAGGGGAGAGAAGGGCGA[G>T]TCAGGCCCTTCAGGTGCTGCCGGACCCCCTGGACCCAAAGGCCCTCCCGGAGATGATGGT-3'
Protein context (NP_000084.3, residues 1303-1323): GPKGERGEKG[Glu1313Asp]SGPSGAAGPP